The following is an entry in ClinVar:

NM_000094.4(COL7A1):c.5045G>A (p.Gly1682Glu)

Gene: COL7A1 (collagen type VII alpha 1 chain; minus strand). Cytogenetic location: 3p21.31.
Variant type: single nucleotide variant.
Coding change: c.5045G>A on transcript NM_000094.4 (MANE Select); coding-DNA position 5045, G replaced by A.
Protein change: p.Gly1682Glu; replaces glycine 1682 with glutamic acid.
Molecular consequence: missense variant.
Genome position (GRCh38, 1-based): chr3:48,580,588, C>T on the plus strand (G>A on the coding strand, the complement: COL7A1 is on the minus strand). VCF-style: chr3-48580588-C-T. GRCh37 (hg19) VCF-style: chr3-48618021-C-T.
Other names: short protein forms G1682E.
Identifiers: ClinVar variation 2110165 (VCV002110165.4), dbSNP rs2531086668, ClinGen allele CA352679337.

ClinVar aggregate classification (germline): Uncertain significance (1 of 4 stars; one submission).

Submission:

Labcorp Genetics (formerly Invitae), Labcorp
Classification: Uncertain significance. Last evaluated: 2022-03-12. Review status: criteria provided, single submitter. Criteria: Invitae Variant Classification Sherloc (09022015). Collection method: clinical testing. Allele origin: germline.
Comment: This variant has not been reported in the literature in individuals affected with COL7A1-related conditions. Advanced modeling of protein sequence and biophysical properties (such as structural, functional, and spatial information, amino acid conservation, physicochemical variation, residue mobility, and thermodynamic stability) performed at Invitae indicates that this missense variant is expected to disrupt COL7A1 protein function. This variant disrupts the triple helix domain of COL7A1. Glycine residues within the Gly-Xaa-Yaa repeats of the triple helix domain are required for the structure and stability of fibrillar collagens (PMID: 7695699, 8218237, 19344236), and variants at these glycine residues in COL7A1 are more frequently observed in individuals with disease than in the general population (PMID: 22058051). However, the clinical significance of this observation remains uncertain since only a limited number of affected individuals have been described to date. In summary, the available evidence is currently insufficient to determine the role of this variant in disease. Therefore, it has been classified as a Variant of Uncertain Significance. This sequence change replaces glycine, which is neutral and non-polar, with glutamic acid, which is acidic and polar, at codon 1682 of the COL7A1 protein (p.Gly1682Glu). This variant is not present in population databases (gnomAD no frequency).

Literature cited by the submitters: PubMed 7695699; PubMed 8218237; PubMed 19344236; PubMed 22058051.